The following is an entry in ClinVar:

NM_000179.3(MSH6):c.3389_3390del (p.Val1130fs)

Gene: MSH6 (mutS homolog 6; plus strand). Cytogenetic location: 2p16.3.
Variant type: Microsatellite.
Coding change: c.3389_3390del on transcript NM_000179.3 (MANE Select); coding-DNA positions 3389 to 3390, 2 bases deleted (TG; older notation c.3389_3390delTG).
Protein change: p.Val1130fs; shifts the reading frame from valine 1130.
Molecular consequence: frameshift variant.
Genome position (GRCh38, 1-based): chr2:47,803,636-47,803,637, TG deleted; deleting any 2 consecutive bases within chr2:47,803,632-47,803,637 gives the same sequence; the c. name uses the placement nearest the transcript's 3' end. VCF-style (leftmost placement, unchanged base first): chr2-47803631-TTG-T. GRCh37 (hg19) VCF-style: chr2-48030770-TTG-T.
Other names: c.1330_1331TG[2], p.Val445Alafs (NM_001407362.1); c.3385_3386TG[2], p.Val1130Alafs (NM_000179.2, NM_001406796.1, NM_001406800.1 and 2 more transcripts); c.2999_3000del, p.Val1000fs (NM_001281492.2); c.2483_2484del, p.Val828fs (NM_001281493.2, NM_001281494.2); c.3481_3482TG[2], p.Val1162Alafs (NM_001406795.1, NM_001406802.1); c.3088_3089TG[2], p.Val1031Alafs (NM_001406797.1, NM_001406801.1, NM_001406805.1 and 10 more transcripts); c.3211_3212TG[2], p.Val1072Alafs (NM_001406798.1); c.2860_2861TG[2], p.Val955Alafs (NM_001406799.1, NM_001406806.1, NM_001406807.1); and 9 more; short protein forms V1000fs, V1130fs, V828fs.
Identifiers: ClinVar variation 1730869 (VCV001730869.2), dbSNP rs2530773035, ClinGen allele CA2580611374.
Genomic context (GRCh38, chr2:47,803,631, plus strand): 5'-TATTCCTAATGACATTCTAATAGGCTGTGAGGAAGAGGAGCAGGAAAATGGCAAAGCCTA[TTG>T]TGTGCTTGTTACTGGACCAAATATGGGGGGCAAGTCTACGCTTATGAGACAGGTAACTGA-3'

ClinVar aggregate classification (germline): Pathogenic (1 of 4 stars; one submission).

Conditions:
Hereditary cancer-predisposing syndrome. Also called: Neoplastic Syndromes, Hereditary; Tumor predisposition; Hereditary Cancer Syndrome; Hereditary neoplastic syndrome. Identifiers: Orphanet 140162, MedGen C0027672, MeSH D009386, MONDO:0015356.

Submission:

Ambry Genetics
Classification: Pathogenic for Hereditary cancer-predisposing syndrome. Last evaluated: 2022-02-01. Review status: criteria provided, single submitter. Criteria: Ambry Variant Classification Scheme 2023. Collection method: clinical testing. Allele origin: germline.
Comment: The c.3389_3390delTG pathogenic mutation, located in coding exon 5 of the MSH6 gene, results from a deletion of two nucleotides at nucleotide positions 3389 to 3390, causing a translational frameshift with a predicted alternate stop codon (p.V1130Afs*33). This variant is considered to be rare based on population cohorts in the Genome Aggregation Database (gnomAD). This alteration is expected to result in loss of function by premature protein truncation or nonsense-mediated mRNA decay. As such, this alteration is interpreted as a disease-causing mutation.